The following is an entry in ClinVar:

NM_000203.5(IDUA):c.403del (p.Ser135fs)

Gene: IDUA (alpha-L-iduronidase; plus strand). Cytogenetic location: 4p16.3.
Variant type: Deletion.
Coding change: c.403del on transcript NM_000203.5 (MANE Select); coding-DNA position 403, one base deleted (A; older notation c.403delA).
Protein change: p.Ser135fs; shifts the reading frame from serine 135.
Molecular consequence: frameshift variant. On other transcripts: non-coding transcript variant (1).
Genome position (GRCh38, 1-based): chr4:1,000,899, A deleted. VCF-style (leftmost placement, unchanged base first): chr4-1000898-CA-C. GRCh37 (hg19) VCF-style: chr4-994686-CA-C.
Other names: c.7del, p.Ser3fs (NM_001363576.1); short protein forms S3fs, S135fs.
Identifiers: ClinVar variation 1455185 (VCV001455185.6), dbSNP rs2153021702, ClinGen allele CA2573137554.

ClinVar aggregate classification (germline): Pathogenic (1 of 4 stars; one submission).

Conditions:
Mucopolysaccharidosis type 1. Also called: IDUA deficiency; MPS I; Mucopolysaccharidosis Type I. Identifiers: Orphanet 579, MedGen C0023786, MONDO:0001586.

Submission:

Labcorp Genetics (formerly Invitae), Labcorp
Classification: Pathogenic for Mucopolysaccharidosis type 1. Last evaluated: 2021-09-20. Review status: criteria provided, single submitter. Criteria: Invitae Variant Classification Sherloc (09022015). Collection method: clinical testing. Allele origin: germline.
Comment: For these reasons, this variant has been classified as Pathogenic. This variant has not been reported in the literature in individuals affected with IDUA-related conditions. This variant is not present in population databases (ExAC no frequency). This sequence change creates a premature translational stop signal (p.Ser135Alafs*59) in the IDUA gene. It is expected to result in an absent or disrupted protein product. Loss-of-function variants in IDUA are known to be pathogenic (PMID: 11735025, 21480867).

Literature cited by the submitters: PubMed 11735025; PubMed 21480867.